The following is an entry in ClinVar:

NM_145064.3(STAC3):c.662C>A (p.Pro221His)

Gene: STAC3 (SH3 and cysteine rich domain 3; minus strand). Cytogenetic location: 12q13.3.
Variant type: single nucleotide variant.
Coding change: c.662C>A on transcript NM_145064.3 (MANE Select); coding-DNA position 662, C replaced by A.
Protein change: p.Pro221His; replaces proline 221 with histidine.
Molecular consequence: missense variant.
Genome position (GRCh38, 1-based): chr12:57,245,153, G>T on the plus strand (C>A on the coding strand, the complement: STAC3 is on the minus strand). VCF-style: chr12-57245153-G-T. GRCh37 (hg19) VCF-style: chr12-57638936-G-T.
Other names: c.662C>A (NM_145064.1); c.545C>A, p.Pro182His (NM_001286256.2); c.104C>A, p.Pro35His (NM_001286257.2); short protein forms P182H, P221H, P35H.
Identifiers: ClinVar variation 1026763 (VCV001026763.8), dbSNP rs760547303, ClinGen allele CA6647061.
Genomic context (GRCh38, chr12:57,245,153, plus strand): 5'-AGCTGAGCCTCTGATCCTACTCCATCTCTGGATGGAGGTGGGTAACACTCACCATCCTGG[G>T]GTTTGCCTTCCTCTGGTCTGGCCGACTCTGGCTCCTCCTCCATCATGGCTGCTACAGGCT-3'
Protein context (NP_659501.1, residues 211-231): PESARPEEGK[Pro221His]QDGNPEGDKK

ClinVar aggregate classification (germline): Uncertain significance. Review status: criteria provided, multiple submitters, no conflicts (2 of 4 stars). 2 submissions from 2 submitters: Uncertain significance (2). Last evaluated 2023-10-03.

Conditions:
Bailey-Bloch congenital myopathy (CMYO13). Also called: Native American myopathy; Congenital myopathy 13; STAC3 disorder. Identifiers: Orphanet 168572, MedGen C1850625, MONDO:0009722, OMIM 255995.
Inborn genetic diseases. Identifiers: MedGen C0950123, MeSH D030342.

Allele frequency attached by ClinVar (database versions not stated): gnomAD exomes below 0.00001; ExAC 0.00001; TOPMed 0.00001.
gnomAD v4.1: 2 of 1,614,096 alleles (0.00012%); highest among the groups gnomAD compares: East Asian, 0.0045%; no homozygotes.

Submissions (2):

Labcorp Genetics (formerly Invitae), Labcorp
Classification: Uncertain significance for Bailey-Bloch congenital myopathy. Last evaluated: 2023-10-03. Review status: criteria provided, single submitter. Criteria: Invitae Variant Classification Sherloc (09022015). Collection method: clinical testing. Allele origin: germline.
Comment: This sequence change replaces proline, which is neutral and non-polar, with histidine, which is basic and polar, at codon 221 of the STAC3 protein (p.Pro221His). This variant is present in population databases (rs760547303, gnomAD 0.006%). This variant has not been reported in the literature in individuals affected with STAC3-related conditions. ClinVar contains an entry for this variant (Variation ID: 1026763). Advanced modeling of protein sequence and biophysical properties (such as structural, functional, and spatial information, amino acid conservation, physicochemical variation, residue mobility, and thermodynamic stability) performed at Invitae indicates that this missense variant is not expected to disrupt STAC3 protein function. In summary, the available evidence is currently insufficient to determine the role of this variant in disease. Therefore, it has been classified as a Variant of Uncertain Significance.

Ambry Genetics
Classification: Uncertain significance for Inborn genetic diseases. Last evaluated: 2023-09-14. Review status: criteria provided, single submitter. Criteria: Ambry Variant Classification Scheme 2023. Collection method: clinical testing. Allele origin: germline.